The following is an entry in ClinVar:

ClinVar aggregate classification (germline): Likely benign. Review status: criteria provided, single submitter (1 of 4 stars). 2 submissions from 2 submitters: Likely benign (1). 1 of the submissions does not count toward it. Last evaluated 2023-02-01.

Conditions:
DENND4B-related disorder. Also called: DENND4B-related condition.

Allele frequency attached by ClinVar (database versions not stated): 1000 Genomes Project 30x 0.00031; 1000 Genomes Project 0.00040; TOPMed 0.00148; gnomAD 0.00162; ESP Exome Variant Server 0.00200; ExAC 0.00226; gnomAD exomes 0.00277.
gnomAD v4.1: 4,114 of 1,575,040 alleles (0.26%); highest among the groups gnomAD compares: Non-Finnish European, 0.34%; 6 homozygotes.

Submissions (2):

CeGaT Center for Human Genetics Tuebingen
Classification: Likely benign. Last evaluated: 2023-02-01. Review status: criteria provided, single submitter. Criteria: CeGaT Center For Human Genetics Tuebingen Variant Classification Criteria Version 2. Collection method: clinical testing. Allele origin: germline. Affected: yes. Observed: 1 variant allele.
Comment: DENND4B: BP4, BP7

PreventionGenetics, part of Exact Sciences
Classification: Likely benign for DENND4B-related condition. Last evaluated: 2019-04-30. Review status: no assertion criteria provided. Collection method: clinical testing. Allele origin: germline. Not counted in ClinVar's aggregate classification.
Comment: This variant is classified as likely benign based on ACMG/AMP sequence variant interpretation guidelines (Richards et al. 2015 PMID: 25741868, with internal and published modifications).

NM_014856.3(DENND4B):c.1317C>G (p.Ala439=)

Gene: DENND4B (DENN domain containing 4B; minus strand). Cytogenetic location: 1q21.3.
Variant type: single nucleotide variant.
Coding change: c.1317C>G on transcript NM_014856.3 (MANE Select); coding-DNA position 1317, C replaced by G.
Protein change: p.Ala439=; no amino-acid change (alanine 439 retained).
Molecular consequence: synonymous variant.
Genome position (GRCh38, 1-based): chr1:153,940,913, G>C on the plus strand (C>G on the coding strand, the complement: DENND4B is on the minus strand). VCF-style: chr1-153940913-G-C. GRCh37 (hg19) VCF-style: chr1-153913389-G-C.
Other names: c.1317C>G (NM_014856.2); c.1350C>G, p.Ala450= (NM_001367466.1).
Identifiers: ClinVar variation 2639363 (VCV002639363.25), dbSNP rs199532841, ClinGen allele CA1121736.